The following is an entry in ClinVar:

ClinVar aggregate classification (germline): Likely benign (1 of 4 stars; one submission).

Submission:

CeGaT Center for Human Genetics Tuebingen
Classification: Likely benign. Last evaluated: 2026-04-01. Review status: criteria provided, single submitter. Criteria: CeGaT Center For Human Genetics Tuebingen Variant Classification Criteria Version 2. Collection method: clinical testing. Allele origin: germline. Affected: yes. Observed: 1 variant allele.
Comment: NOS3: PM2:Supporting, BP4, BP7

NM_000603.5(NOS3):c.1101G>C (p.Leu367=)

Gene: NOS3 (nitric oxide synthase 3; plus strand). Cytogenetic location: 7q36.1.
Variant type: single nucleotide variant.
Coding change: c.1101G>C on transcript NM_000603.5 (MANE Select); coding-DNA position 1101, G replaced by C.
Protein change: p.Leu367=; no amino-acid change (leucine 367 retained).
Molecular consequence: synonymous variant.
Genome position (GRCh38, 1-based): chr7:150,999,334, G>C. VCF-style: chr7-150999334-G-C. GRCh37 (hg19) VCF-style: chr7-150696422-G-C.
Other names: c.1101G>C, p.Leu367= (NM_001160109.2, NM_001160110.1, NM_001160111.1).
Identifiers: ClinVar variation 4874580 (VCV004874580.2).
Genomic context (GRCh38, chr7:150,999,334, plus strand): 5'-GTTCCCCGCAGCCCCCTTCAGTGGCTGGTACATGAGCACTGAGATCGGCACGAGGAACCT[G>C]TGTGACCCTCACCGCTACAACATCCTGGAGGTGAGGTGCGGGATGGGGCTCGGGCACCGA-3'
Protein context (NP_000594.2, residues 357-377): YMSTEIGTRN[Leu367=]CDPHRYNILE